The following is an entry in ClinVar:

NM_014679.5(CEP57):c.501A>G (p.Lys167=)

Gene: CEP57 (centrosomal protein 57; plus strand). Cytogenetic location: 11q21.
Variant type: single nucleotide variant.
Coding change: c.501A>G on transcript NM_014679.5 (MANE Select); coding-DNA position 501, A replaced by G.
Protein change: p.Lys167=; no amino-acid change (lysine 167 retained).
Molecular consequence: synonymous variant.
Genome position (GRCh38, 1-based): chr11:95,813,586, A>G. VCF-style: chr11-95813586-A-G. GRCh37 (hg19) VCF-style: chr11-95546750-A-G.
Other names: c.474A>G, p.Lys158= (NM_001243776.2); c.501A>G, p.Lys167= (NM_001243777.2); c.420A>G, p.Lys140= (NM_001363604.2).
Identifiers: ClinVar variation 698651 (VCV000698651.36), dbSNP rs140524256, ClinGen allele CA6239486.

ClinVar aggregate classification (germline): Likely benign. Review status: criteria provided, multiple submitters, no conflicts (2 of 4 stars). 4 submissions from 4 submitters: Likely benign (4). Last evaluated 2025-08-18.

Conditions:
Inborn genetic diseases. Identifiers: MedGen C0950123, MeSH D030342.
Mosaic variegated aneuploidy syndrome 2 (MVA2). Identifiers: Orphanet 1052, MedGen C3279843, MONDO:0013582, OMIM 614114.

Allele frequency attached by ClinVar (database versions not stated): gnomAD exomes 0.00013 and 0.00017; gnomAD 0.00014; TOPMed 0.00014; 1000 Genomes Project 0.00020; ExAC 0.00021; 1000 Genomes Project 30x 0.00031; ESP Exome Variant Server 0.00038.
gnomAD v4.1: 275 of 1,612,796 alleles (0.017%); highest among the groups gnomAD compares: Non-Finnish European, 0.022%; no homozygotes.

Submissions (4):

Labcorp Genetics (formerly Invitae), Labcorp
Classification: Likely benign for Mosaic variegated aneuploidy syndrome 2. Last evaluated: 2025-08-18. Review status: criteria provided, single submitter. Criteria: Invitae Variant Classification Sherloc (09022015). Collection method: clinical testing. Allele origin: germline.

Ambry Genetics
Classification: Likely benign for Inborn genetic diseases. Last evaluated: 2024-10-02. Review status: criteria provided, single submitter. Criteria: Ambry Variant Classification Scheme 2023. Collection method: clinical testing. Allele origin: germline.

CeGaT Center for Human Genetics Tuebingen
Classification: Likely benign. Last evaluated: 2024-09-01. Review status: criteria provided, single submitter. Criteria: CeGaT Center For Human Genetics Tuebingen Variant Classification Criteria Version 2. Collection method: clinical testing. Allele origin: germline. Affected: yes. Observed: 2 variant alleles.
Comment: CEP57: BP4, BP7

Blueprint Genetics
Classification: Likely benign. Last evaluated: 2023-11-17. Review status: criteria provided, single submitter. Criteria: ACMG Guidelines, 2015. Collection method: clinical testing. Allele origin: germline.